The following is an entry in ClinVar:

ClinVar aggregate classification (germline): Uncertain significance (1 of 4 stars; one submission).

Conditions:
Hereditary cancer-predisposing syndrome. Also called: Neoplastic Syndromes, Hereditary; Tumor predisposition; Hereditary Cancer Syndrome; Hereditary neoplastic syndrome. Identifiers: Orphanet 140162, MedGen C0027672, MeSH D009386, MONDO:0015356.

Submission:

Ambry Genetics
Classification: Uncertain significance for Hereditary cancer-predisposing syndrome. Last evaluated: 2021-02-09. Review status: criteria provided, single submitter. Criteria: Ambry Variant Classification Scheme 2023. Collection method: clinical testing. Allele origin: germline.
Comment: The p.I260M variant (also known as c.780C>G), located in coding exon 6 of the STK11 gene, results from a C to G substitution at nucleotide position 780. The isoleucine at codon 260 is replaced by methionine, an amino acid with highly similar properties. This amino acid position is highly conserved in available vertebrate species. In addition, the in silico prediction for this alteration is inconclusive. Since supporting evidence is limited at this time, the clinical significance of this alteration remains unclear.

NM_000455.5(STK11):c.780C>G (p.Ile260Met)

Gene: STK11 (serine/threonine kinase 11; plus strand). Cytogenetic location: 19p13.3.
Variant type: single nucleotide variant.
Coding change: c.780C>G on transcript NM_000455.5 (MANE Select); coding-DNA position 780, C replaced by G.
Protein change: p.Ile260Met; replaces isoleucine 260 with methionine.
Molecular consequence: missense variant.
Genome position (GRCh38, 1-based): chr19:1,221,258, C>G. VCF-style: chr19-1221258-C-G. GRCh37 (hg19) VCF-style: chr19-1221257-C-G.
Other names: c.780C>G, p.Ile260Met (NM_001407255.1); short protein forms I260M.
Identifiers: ClinVar variation 1760720 (VCV001760720.2), dbSNP rs876658493, ClinGen allele CA402950470.